The following is an entry in ClinVar:

NM_001035.3(RYR2):c.4933A>T (p.Thr1645Ser)

Gene: RYR2 (ryanodine receptor 2; plus strand). Cytogenetic location: 1q43.
Variant type: single nucleotide variant.
Coding change: c.4933A>T on transcript NM_001035.3 (MANE Select); coding-DNA position 4933, A replaced by T.
Protein change: p.Thr1645Ser; replaces threonine 1645 with serine.
Molecular consequence: missense variant.
Genome position (GRCh38, 1-based): chr1:237,614,061, A>T. VCF-style: chr1-237614061-A-T. GRCh37 (hg19) VCF-style: chr1-237777361-A-T.
Other names: short protein forms T1645S.
Identifiers: ClinVar variation 3075158 (VCV003075158.1), dbSNP rs2546789765, ClinGen allele CA345403501.

ClinVar aggregate classification (germline): Uncertain significance (1 of 4 stars; one submission).

Conditions:
Catecholaminergic polymorphic ventricular tachycardia (CVPT). Also called: Catecholamine-induced polymorphic ventricular tachycardia. Identifiers: Orphanet 3286, MedGen C5574922, MONDO:0017990.

Submission:

All of Us Research Program, National Institutes of Health
Classification: Uncertain significance for Catecholaminergic polymorphic ventricular tachycardia. Last evaluated: 2023-12-18. Review status: criteria provided, single submitter. Criteria: ACMG Guidelines, 2015. Collection method: clinical testing. Allele origin: germline. Inheritance: Autosomal dominant inheritance. Observed: 1 variant allele, 1 heterozygote.
Comment: This missense variant replaces threonine with serine at codon 1645 of the RYR2 protein. Computational prediction suggests that this variant may not impact protein structure and function (internally defined REVEL score threshold <= 0.5, PMID: 27666373). To our knowledge, functional studies have not been reported for this variant. This variant has not been reported in individuals affected with RYR2-related disorders in the literature. This variant has not been identified in the general population by the Genome Aggregation Database (gnomAD). The available evidence is insufficient to determine the role of this variant in disease conclusively. Therefore, this variant is classified as a Variant of Uncertain Significance.

This study involves interpretation of variants in research participants for the purpose of population health screening. Participant phenotype was not available at the time of variant classification. Additional details can be found in publication PMID: 35346344, PMCID: PMC8962531